The following is an entry in ClinVar:

NM_052947.4(ALPK2):c.6083C>A (p.Thr2028Lys)

Gene: ALPK2 (alpha kinase 2; minus strand). Cytogenetic location: 18q21.31.
Variant type: single nucleotide variant.
Coding change: c.6083C>A on transcript NM_052947.4 (MANE Select); coding-DNA position 6083, C replaced by A.
Protein change: p.Thr2028Lys; replaces threonine 2028 with lysine.
Molecular consequence: missense variant.
Genome position (GRCh38, 1-based): chr18:58,504,095, G>T on the plus strand (C>A on the coding strand, the complement: ALPK2 is on the minus strand). VCF-style: chr18-58504095-G-T. GRCh37 (hg19) VCF-style: chr18-56171327-G-T.
Other names: short protein forms T2028K.
Identifiers: ClinVar variation 1751461 (VCV001751461.2), dbSNP rs2518855039, ClinGen allele CA402544433.

ClinVar aggregate classification (germline): Uncertain significance (1 of 4 stars; one submission).

Submission:

Ambry Genetics
Classification: Uncertain significance. Last evaluated: 2022-10-17. Review status: criteria provided, single submitter. Criteria: Ambry Variant Classification Scheme 2023. Collection method: clinical testing. Allele origin: germline.
Comment: The p.T2028K variant (also known as c.6083C>A), located in coding exon 10 of the ALPK2 gene, results from a C to A substitution at nucleotide position 6083. The threonine at codon 2028 is replaced by lysine, an amino acid with similar properties. This amino acid position is conserved. In addition, the in silico prediction for this alteration is inconclusive. Since supporting evidence is limited at this time, the clinical significance of this alteration remains unclear.